The following is an entry in ClinVar:

ClinVar aggregate classification (germline): Uncertain significance (1 of 4 stars; one submission).

Conditions:
Hereditary cancer-predisposing syndrome. Also called: Neoplastic Syndromes, Hereditary; Tumor predisposition; Hereditary Cancer Syndrome; Hereditary neoplastic syndrome. Identifiers: Orphanet 140162, MedGen C0027672, MeSH D009386, MONDO:0015356.

Submission:

Ambry Genetics
Classification: Uncertain significance for Hereditary cancer-predisposing syndrome. Last evaluated: 2026-03-11. Review status: criteria provided, single submitter. Criteria: Ambry Variant Classification Scheme 2023. Collection method: clinical testing. Allele origin: germline.
Comment: The p.S393R variant (also known as c.1179T>G), located in coding exon 12 of the RB1 gene, results from a T to G substitution at nucleotide position 1179. The serine at codon 393 is replaced by arginine, an amino acid with dissimilar properties. This amino acid position is conserved. In addition, this alteration is predicted to be tolerated by in silico analysis. Based on the available evidence, the clinical significance of this variant remains unclear.

NM_000321.3(RB1):c.1179T>G (p.Ser393Arg)

Gene: RB1 (RB transcriptional corepressor 1; plus strand). Cytogenetic location: 13q14.2.
Variant type: single nucleotide variant.
Coding change: c.1179T>G on transcript NM_000321.3 (MANE Select); coding-DNA position 1179, T replaced by G.
Protein change: p.Ser393Arg; replaces serine 393 with arginine.
Molecular consequence: missense variant.
Genome position (GRCh38, 1-based): chr13:48,373,456, T>G. VCF-style: chr13-48373456-T-G. GRCh37 (hg19) VCF-style: chr13-48947592-T-G.
Other names: c.1179T>G, p.Ser393Arg (NM_001407165.1, NM_001407166.1); short protein forms S393R.
Identifiers: ClinVar variation 4826601 (VCV004826601.1).
Genomic context (GRCh38, chr13:48,373,456, plus strand): 5'-CCCCTCTAGGACTGTTATGAACACTATCCAACAATTAATGATGATTTTAAATTCAGCAAG[T>G]GATCAACCTTCAGAAAATCTGATTTCCTATTTTAACGTAAGCCATATATGAAACATTATT-3'
Protein context (NP_000312.2, residues 383-403): QQLMMILNSA[Ser393Arg]DQPSENLISY